The following is an entry in ClinVar:

ClinVar aggregate classification (germline): Uncertain significance. Review status: criteria provided, multiple submitters, no conflicts (2 of 4 stars). 2 submissions from 2 submitters: Uncertain significance (2). Last evaluated 2025-09-10.

Conditions:
Arrhythmogenic right ventricular dysplasia 8 (ARVD8). Also called: ARRHYTHMOGENIC RIGHT VENTRICULAR DYSPLASIA, FAMILIAL, 8; Arrhythmogenic Right Ventricular Dysplasia/Cardiomyopathy 8; ARRHYTHMOGENIC RIGHT VENTRICULAR CARDIOMYOPATHY 8. Identifiers: MedGen C1843896, MONDO:0011831, OMIM 607450.
Arrhythmogenic cardiomyopathy with wooly hair and keratoderma. Also called: Carvajal syndrome; PALMOPLANTAR KERATODERMA WITH LEFT VENTRICULAR CARDIOMYOPATHY AND WOOLLY HAIR; Dilated cardiomyopathy with woolly hair and keratoderma; Arrhythmogenic cardiomyopathy with woolly hair and keratoderma. Identifiers: Orphanet 65282, MedGen C1854063, MONDO:0011581, OMIM 605676.

gnomAD v4.1: 1 of 1,614,032 alleles (0.000062%); highest among the groups gnomAD compares: African/African-American, 0.0013%; no homozygotes.

Submissions (2):

Labcorp Genetics (formerly Invitae), Labcorp
Classification: Uncertain significance for Arrhythmogenic cardiomyopathy with wooly hair and keratoderma; Arrhythmogenic right ventricular dysplasia 8. Last evaluated: 2025-09-10. Review status: criteria provided, single submitter. Criteria: Invitae Variant Classification Sherloc (09022015). Collection method: clinical testing. Allele origin: germline.
Comment: This sequence change replaces serine, which is neutral and polar, with cysteine, which is neutral and slightly polar, at codon 2859 of the DSP protein (p.Ser2859Cys). This variant is not present in population databases (gnomAD no frequency). This variant has not been reported in the literature in individuals affected with DSP-related conditions. ClinVar contains an entry for this variant (Variation ID: 3386740). An algorithm developed to predict the effect of missense changes on protein structure and function (PolyPhen-2) suggests that this variant is likely to be tolerated. In summary, the available evidence is currently insufficient to determine the role of this variant in disease. Therefore, it has been classified as a Variant of Uncertain Significance.

All of Us Research Program, National Institutes of Health
Classification: Uncertain significance for Arrhythmogenic cardiomyopathy with wooly hair and keratoderma. Last evaluated: 2024-05-14. Review status: criteria provided, single submitter. Criteria: ACMG Guidelines, 2015. Collection method: clinical testing. Allele origin: germline. Inheritance: Autosomal dominant inheritance. Observed: 1 variant allele, 1 heterozygote.
Comment: This missense variant replaces serine with cysteine at codon 2859 of the DSP protein. Computational prediction suggests that this variant may not impact protein structure and function (internally defined REVEL score threshold <= 0.5, PMID: 27666373). To our knowledge, functional studies have not been reported for this variant. This variant has not been reported in individuals affected with DSP-related disorders in the literature. This variant has not been identified in the general population by the Genome Aggregation Database (gnomAD). The available evidence is insufficient to determine the role of this variant in disease conclusively. Therefore, this variant is classified as a Variant of Uncertain Significance.

This study involves interpretation of variants in research participants for the purpose of population health screening. Participant phenotype was not available at the time of variant classification. Additional details can be found in publication PMID: 35346344, PMCID: PMC8962531

NM_004415.4(DSP):c.8576C>G (p.Ser2859Cys)

Gene: DSP (desmoplakin; plus strand). Cytogenetic location: 6p24.3.
Variant type: single nucleotide variant.
Coding change: c.8576C>G on transcript NM_004415.4 (MANE Select); coding-DNA position 8576, C replaced by G.
Protein change: p.Ser2859Cys; replaces serine 2859 with cysteine.
Molecular consequence: missense variant.
Genome position (GRCh38, 1-based): chr6:7,585,838, C>G. VCF-style: chr6-7585838-C-G. GRCh37 (hg19) VCF-style: chr6-7586071-C-G.
Other names: c.6779C>G, p.Ser2260Cys (NM_001008844.3); c.7247C>G, p.Ser2416Cys (NM_001319034.2); short protein forms S2260C, S2416C, S2859C.
Identifiers: ClinVar variation 3386740 (VCV003386740.2).